The following is an entry in ClinVar:

NM_001369.3(DNAH5):c.9982_9983insACATA (p.Leu3328fs)

Gene: DNAH5 (dynein axonemal heavy chain 5; minus strand). Cytogenetic location: 5p15.2.
Variant type: Insertion.
Coding change: c.9982_9983insACATA on transcript NM_001369.3 (MANE Select); coding-DNA positions 9982 to 9983, ACATA inserted.
Protein change: p.Leu3328fs; shifts the reading frame from leucine 3328.
Molecular consequence: frameshift variant.
Genome position: GRCh38 VCF-style: chr5-13766094-A-ATATGT. GRCh37 (hg19) VCF-style: chr5-13766203-A-ATATGT.
Other names: short protein forms L3328fs.
Identifiers: ClinVar variation 1724651 (VCV001724651.2), dbSNP rs2546648432, ClinGen allele CA2580072192.

ClinVar aggregate classification (germline): Likely pathogenic (1 of 4 stars; one submission).

Conditions:
Primary ciliary dyskinesia 3. Identifiers: Orphanet 244, MedGen C1837618, MONDO:0012085, OMIM 608644.

Submission:

Myriad Genetics, Inc.
Classification: Likely pathogenic for Primary ciliary dyskinesia 3. Last evaluated: 2022-02-24. Review status: criteria provided, single submitter. Criteria: Myriad Women's Health Autosomal Recessive and X-Linked Classification Criteria (2021). Collection method: clinical testing. Allele origin: unknown.
Comment: NM_001369.2(DNAH5):c.9982_9983ins5(L3328Hfs*12) is expected to be pathogenic in the context of DNAH5-related primary ciliary dyskinesia. This variant is predicted to lead to an abnormal or absent protein product due to the creation of a premature termination codon in DNAH5, a gene where loss-of-function variants are known to be pathogenic. Please note: this variant was assessed in the context of healthy population screening.